The following is an entry in ClinVar:

ClinVar aggregate classification (germline): Uncertain significance. Review status: criteria provided, multiple submitters, no conflicts (2 of 4 stars). 2 submissions from 2 submitters: Uncertain significance (2). Last evaluated 2024-07-09.

Conditions:
Inborn genetic diseases. Identifiers: MedGen C0950123, MeSH D030342.

Allele frequency attached by ClinVar (database versions not stated): gnomAD exomes 0.00002 and 0.00003; TOPMed 0.00002; ExAC 0.00003.
gnomAD v4.1: 37 of 1,606,404 alleles (0.0023%); highest among the groups gnomAD compares: Non-Finnish European, 0.0027%; no homozygotes.

Submissions (2):

Ambry Genetics
Classification: Uncertain significance for Inborn genetic diseases. Last evaluated: 2024-07-09. Review status: criteria provided, single submitter. Criteria: Ambry Variant Classification Scheme 2023. Collection method: clinical testing. Allele origin: germline.

Labcorp Genetics (formerly Invitae), Labcorp
Classification: Uncertain significance. Last evaluated: 2023-10-03. Review status: criteria provided, single submitter. Criteria: Invitae Variant Classification Sherloc (09022015). Collection method: clinical testing. Allele origin: germline.
Comment: This sequence change replaces glycine, which is neutral and non-polar, with arginine, which is basic and polar, at codon 254 of the COL18A1 protein (p.Gly254Arg). This variant is present in population databases (rs766459944, gnomAD 0.006%). This variant has not been reported in the literature in individuals affected with COL18A1-related conditions. ClinVar contains an entry for this variant (Variation ID: 1450163). Experimental studies and prediction algorithms are not available or were not evaluated, and the functional significance of this variant is currently unknown. In summary, the available evidence is currently insufficient to determine the role of this variant in disease. Therefore, it has been classified as a Variant of Uncertain Significance.

NM_001379500.1(COL18A1):c.760G>A (p.Gly254Arg)

Gene: COL18A1 (collagen type XVIII alpha 1 chain; plus strand). Cytogenetic location: 21q22.3.
Variant type: single nucleotide variant.
Coding change: c.760G>A on transcript NM_001379500.1 (MANE Select); coding-DNA position 760, G replaced by A.
Protein change: p.Gly254Arg; replaces glycine 254 with arginine.
Molecular consequence: missense variant.
Genome position (GRCh38, 1-based): chr21:45,475,497, G>A. VCF-style: chr21-45475497-G-A. GRCh37 (hg19) VCF-style: chr21-46895411-G-A.
Other names: NM_130445.2:c.760G>A; c.1300G>A, p.Gly434Arg (NM_030582.4); c.2005G>A, p.Gly669Arg (NM_130444.3); short protein forms G434R, G669R, G254R.
Identifiers: ClinVar variation 1450163 (VCV001450163.6), dbSNP rs766459944, ClinGen allele CA10065881.